The following is an entry in ClinVar:

ClinVar aggregate classification (germline): Uncertain significance (1 of 4 stars; one submission).

Conditions:
Familial thoracic aortic aneurysm and aortic dissection (TAAD). Also called: Thoracic aortic aneurysms and dissections. Identifiers: Orphanet 91387, MedGen C4707243, MONDO:0019625.

gnomAD v4.1: 1 of 1,211,627 alleles (0.000083%); highest among the groups gnomAD compares: Non-Finnish European, 0.00011%; no homozygotes.

Submission:

Ambry Genetics
Classification: Uncertain significance for Familial thoracic aortic aneurysm and aortic dissection. Last evaluated: 2025-08-20. Review status: criteria provided, single submitter. Criteria: Ambry Variant Classification Scheme 2023. Collection method: clinical testing. Allele origin: germline.
Comment: The p.T992I variant (also known as c.2975C>T), located in coding exon 20 of the FLNA gene, results from a C to T substitution at nucleotide position 2975. The threonine at codon 992 is replaced by isoleucine, an amino acid with similar properties. This amino acid position is well conserved in available vertebrate species. In addition, this alteration is predicted to be tolerated by in silico analysis. Based on the available evidence, the clinical significance of this variant remains unclear.

NM_001110556.2(FLNA):c.2975C>T (p.Thr992Ile)

Gene: FLNA (filamin A; minus strand). Cytogenetic location: Xq28.
Variant type: single nucleotide variant.
Coding change: c.2975C>T on transcript NM_001110556.2 (MANE Select); coding-DNA position 2975, C replaced by T.
Protein change: p.Thr992Ile; replaces threonine 992 with isoleucine.
Molecular consequence: missense variant.
Genome position (GRCh38, 1-based): chrX:154,361,540, G>A on the plus strand (C>T on the coding strand, the complement: FLNA is on the minus strand). VCF-style: chrX-154361540-G-A. GRCh37 (hg19) VCF-style: chrX-153589908-G-A.
Other names: c.2975C>T, p.Thr992Ile (NM_001456.4); short protein forms T992I.
Identifiers: ClinVar variation 4258227 (VCV004258227.1).